The following is an entry in ClinVar:

ClinVar aggregate classification (germline): Uncertain significance (1 of 4 stars; one submission).

Conditions:
Inborn genetic diseases. Identifiers: MedGen C0950123, MeSH D030342.

Allele frequency attached by ClinVar (database versions not stated): TOPMed 0.00005; ExAC 0.00008; gnomAD 0.00009; gnomAD exomes 0.00009; ESP Exome Variant Server 0.00015.

Submission:

Ambry Genetics
Classification: Uncertain significance for Inborn genetic diseases. Last evaluated: 2017-11-14. Review status: criteria provided, single submitter. Criteria: Ambry Variant Classification Scheme 2023. Collection method: clinical testing. Allele origin: germline.
Comment: The p.E116K variant (also known as c.346G>A), located in coding exon 1 of the HOXA1 gene, results from a G to A substitution at nucleotide position 346. The glutamic acid at codon 116 is replaced by lysine, an amino acid with similar properties. This amino acid position is well conserved in available vertebrate species. In addition, this alteration is predicted to be tolerated by in silico analysis. Since supporting evidence is limited at this time, the clinical significance of this alteration remains unclear.

NM_005522.5(HOXA1):c.346G>A (p.Glu116Lys)

Gene: HOXA1 (homeobox A1; minus strand). Cytogenetic location: 7p15.2.
Variant type: single nucleotide variant.
Coding change: c.346G>A on transcript NM_005522.5 (MANE Select); coding-DNA position 346, G replaced by A.
Protein change: p.Glu116Lys; replaces glutamic acid 116 with lysine.
Molecular consequence: missense variant.
Genome position (GRCh38, 1-based): chr7:27,095,567, C>T on the plus strand (G>A on the coding strand, the complement: HOXA1 is on the minus strand). VCF-style: chr7-27095567-C-T. GRCh37 (hg19) VCF-style: chr7-27135186-C-T.
Other names: c.346G>A, p.Glu116Lys (NM_153620.3); short protein forms E116K.
Identifiers: ClinVar variation 1731722 (VCV001731722.2), dbSNP rs369218661, ClinGen allele CA4195961.